The following is an entry in ClinVar:

ClinVar aggregate classification (germline): Pathogenic (1 of 4 stars; one submission).

Conditions:
Hypohidrotic X-linked ectodermal dysplasia (XHED). Also called: Christ Siemens Touraine syndrome; Anhidrotic ectodermal dysplasia X-linked; ECTODERMAL DYSPLASIA, HYPOHIDROTIC, 1; CST SYNDROME; Ectodermal Dysplasia 1, Anhidrotic; ECTODERMAL DYSPLASIA 1. Identifiers: Orphanet 181, Orphanet 238468, MedGen C0162359, MONDO:0010585, OMIM 305100.

Submission:

Labcorp Genetics (formerly Invitae), Labcorp
Classification: Pathogenic for Hypohidrotic X-linked ectodermal dysplasia. Last evaluated: 2024-02-02. Review status: criteria provided, single submitter. Criteria: Invitae Variant Classification Sherloc (09022015). Collection method: clinical testing. Allele origin: germline.
Comment: This sequence change creates a premature translational stop signal (p.Ala241Leufs*39) in the EDA gene. It is expected to result in an absent or disrupted protein product. Loss-of-function variants in EDA are known to be pathogenic (PMID: 9683615). This variant is not present in population databases (gnomAD no frequency). This variant has not been reported in the literature in individuals affected with EDA-related conditions. For these reasons, this variant has been classified as Pathogenic.

Literature cited by the submitters: PubMed 9683615.

NM_001399.5(EDA):c.720del (p.Ala241fs)

Gene: EDA (ectodysplasin A; plus strand). Cytogenetic location: Xq13.1.
Variant type: Deletion.
Coding change: c.720del on transcript NM_001399.5 (MANE Select); coding-DNA position 720, one base deleted (A; older notation c.720delA).
Protein change: p.Ala241fs; shifts the reading frame from alanine 241.
Molecular consequence: frameshift variant.
Genome position (GRCh38, 1-based): chrX:70,029,517, A deleted; the last of 3 consecutive A bases (chrX:70,029,515-70,029,517); deleting any one gives the same sequence. VCF-style (leftmost placement, unchanged base first): chrX-70029514-TA-T. GRCh37 (hg19) VCF-style: chrX-69249364-TA-T.
Other names: c.720del, p.Ala241fs (NM_001005609.2, NM_001005612.3); short protein forms A241fs.
Identifiers: ClinVar variation 2706460 (VCV002706460.3), dbSNP rs2520337535, ClinGen allele CA2697553200.